The following is an entry in ClinVar:

NM_001358921.2(COQ2):c.706C>T (p.Leu236Phe)

Gene: COQ2 (coenzyme Q2, polyprenyltransferase; minus strand). Cytogenetic location: 4q21.23.
Variant type: single nucleotide variant.
Coding change: c.706C>T on transcript NM_001358921.2 (MANE Select); coding-DNA position 706, C replaced by T.
Protein change: p.Leu236Phe; replaces leucine 236 with phenylalanine.
Molecular consequence: missense variant.
Genome position (GRCh38, 1-based): chr4:83,269,916, G>A on the plus strand (C>T on the coding strand, the complement: COQ2 is on the minus strand). VCF-style: chr4-83269916-G-A. GRCh37 (hg19) VCF-style: chr4-84191069-G-A.
Other names: c.856C>T, p.Leu286Phe (NM_015697.9); short protein forms L236F, L286F.
Identifiers: ClinVar variation 1809746 (VCV001809746.1), dbSNP rs776124921, ClinGen allele CA2988523.

ClinVar aggregate classification (germline): Uncertain significance (1 of 4 stars; one submission).

Allele frequency attached by ClinVar (database versions not stated): gnomAD exomes below 0.00001; ExAC 0.00001.
gnomAD v4.1: 2 of 1,612,596 alleles (0.00012%); highest among the groups gnomAD compares: South Asian, 0.0011%; no homozygotes.

Submission:

Athena Diagnostics
Classification: Uncertain significance. Last evaluated: 2020-03-23. Review status: criteria provided, single submitter. Criteria: Athena Diagnostics Criteria. Collection method: clinical testing. Allele origin: unknown.
Comment: This observation is not an independent occurrence and has been identified in the same individual by RCIGM, the other laboratory participating in the GEMINI study.